The following is an entry in ClinVar:

NM_001173393.3(HAVCR1):c.476_477insAAC (p.Thr160dup)

Gene: HAVCR1 (hepatitis A virus cellular receptor 1; minus strand). Cytogenetic location: 5q33.3.
Variant type: Insertion.
Coding change: c.476_477insAAC on transcript NM_001173393.3 (MANE Select); coding-DNA positions 476 to 477, AAC inserted.
Protein change: p.Thr160dup; duplicates threonine 160.
Molecular consequence: inframe insertion.
Genome position: GRCh38 VCF-style: chr5-157052557-C-CGTT. GRCh37 (hg19) VCF-style: chr5-156479568-C-CGTT.
Other names: c.476_477insAAC, p.Thr160dup (NM_001308156.2, NM_012206.3).
Identifiers: ClinVar variation 402920 (VCV000402920.8), dbSNP rs77147640, ClinGen allele CA3531588.

ClinVar aggregate classification (germline): Benign. Review status: criteria provided, multiple submitters, no conflicts (2 of 4 stars). 2 submissions from 2 submitters: Benign (2). Last evaluated 2019-12-31.

Submissions (2):

Labcorp Genetics (formerly Invitae), Labcorp
Classification: Benign. Last evaluated: 2019-12-31. Review status: criteria provided, single submitter. Criteria: Invitae Variant Classification Sherloc (09022015). Collection method: clinical testing. Allele origin: germline.

Laboratory for Molecular Medicine, Mass General Brigham Personalized Medicine
Classification: Benign. Last evaluated: 2016-03-28. Review status: criteria provided, single submitter. Criteria: LMM Criteria. Collection method: clinical testing. Allele origin: germline.
Comment: Variant identified in a genome or exome case(s) and assessed due to predicted null impact of the variant or pathogenic assertions in the literature or databases. Disclaimer: This variant has not undergone full assessment. The following are preliminary notes: Does not pass quality filter